The following is an entry in ClinVar:

NM_006073.4(TRDN):c.1055C>T (p.Pro352Leu)

Gene: TRDN (triadin; minus strand). Cytogenetic location: 6q22.31.
Variant type: single nucleotide variant.
Coding change: c.1055C>T on transcript NM_006073.4 (MANE Select); coding-DNA position 1055, C replaced by T.
Protein change: p.Pro352Leu; replaces proline 352 with leucine.
Molecular consequence: missense variant.
Genome position (GRCh38, 1-based): chr6:123,393,674, G>A on the plus strand (C>T on the coding strand, the complement: TRDN is on the minus strand). VCF-style: chr6-123393674-G-A. GRCh37 (hg19) VCF-style: chr6-123714819-G-A.
Other names: c.1058C>T, p.Pro353Leu (NM_001251987.2); short protein forms P352L, P353L.
Identifiers: ClinVar variation 1015507 (VCV001015507.11), dbSNP rs754708708, ClinGen allele CA3984139.

ClinVar aggregate classification (germline): Uncertain significance. Review status: criteria provided, multiple submitters, no conflicts (2 of 4 stars). 3 submissions from 3 submitters: Uncertain significance (3). Last evaluated 2025-11-17.

Conditions:
Cardiovascular phenotype. Identifiers: MedGen CN230736.
Catecholaminergic polymorphic ventricular tachycardia 1. Also called: VENTRICULAR TACHYCARDIA, STRESS-INDUCED POLYMORPHIC 1; VENTRICULAR TACHYCARDIA, CATECHOLAMINERGIC POLYMORPHIC, 1, WITH OR WITHOUT ATRIAL DYSFUNCTION AND/OR DILATED CARDIOMYOPATHY; RYR2-Related Catecholaminergic Polymorphic Ventricular Tachycardia. Identifiers: Orphanet 3286, MedGen C1631597, MONDO:0011484, OMIM 604772.
Catecholaminergic polymorphic ventricular tachycardia 5 (CARDAR). Also called: CARDIAC ARRHYTHMIA SYNDROME, WITH OR WITHOUT SKELETAL MUSCLE WEAKNESS; Ventricular tachycardia, catecholaminergic polymorphic, 5, with or without muscle weakness. Identifiers: Orphanet 3286, MedGen C3809536, MONDO:0014191, OMIM 615441.

Allele frequency attached by ClinVar (database versions not stated): TOPMed 0.00019.
gnomAD v4.1: 85 of 1,604,140 alleles (0.0053%); highest among the groups gnomAD compares: East Asian, 0.02%; no homozygotes.

Submissions (3):

Ambry Genetics
Classification: Uncertain significance for Cardiovascular phenotype. Last evaluated: 2025-11-17. Review status: criteria provided, single submitter. Criteria: Ambry Variant Classification Scheme 2023. Collection method: clinical testing. Allele origin: germline.
Comment: The p.P352L variant (also known as c.1055C>T), located in coding exon 13 of the TRDN gene, results from a C to T substitution at nucleotide position 1055. The proline at codon 352 is replaced by leucine, an amino acid with similar properties. This amino acid position is well conserved in available vertebrate species. In addition, this alteration is predicted to be tolerated by in silico analysis. Based on the available evidence, the clinical significance of this variant remains unclear.

Labcorp Genetics (formerly Invitae), Labcorp
Classification: Uncertain significance for Catecholaminergic polymorphic ventricular tachycardia 1. Last evaluated: 2022-07-25. Review status: criteria provided, single submitter. Criteria: Invitae Variant Classification Sherloc (09022015). Collection method: clinical testing. Allele origin: germline.
Comment: This sequence change replaces proline, which is neutral and non-polar, with leucine, which is neutral and non-polar, at codon 352 of the TRDN protein (p.Pro352Leu). This variant is present in population databases (rs754708708, gnomAD 0.03%). This variant has not been reported in the literature in individuals affected with TRDN-related conditions. ClinVar contains an entry for this variant (Variation ID: 1015507). Algorithms developed to predict the effect of missense changes on protein structure and function output the following: SIFT: "Deleterious"; PolyPhen-2: "Possibly Damaging"; Align-GVGD: "Class C0". The leucine amino acid residue is found in multiple mammalian species, which suggests that this missense change does not adversely affect protein function. In summary, the available evidence is currently insufficient to determine the role of this variant in disease. Therefore, it has been classified as a Variant of Uncertain Significance.

Fulgent Genetics
Classification: Uncertain significance for Catecholaminergic polymorphic ventricular tachycardia 1; Catecholaminergic polymorphic ventricular tachycardia 5. Last evaluated: 2021-07-07. Review status: criteria provided, single submitter. Criteria: ACMG Guidelines, 2015. Collection method: clinical testing. Allele origin: unknown.